The following is an entry in ClinVar:

ClinVar aggregate classification (germline): Uncertain significance (1 of 4 stars; one submission).

Allele frequency attached by ClinVar (database versions not stated): gnomAD exomes below 0.00001.
gnomAD v4.1: 1 of 1,614,076 alleles (0.000062%); highest among the groups gnomAD compares: Non-Finnish European, 0.000085%; no homozygotes.

Submission:

Labcorp Genetics (formerly Invitae), Labcorp
Classification: Uncertain significance. Last evaluated: 2022-02-03. Review status: criteria provided, single submitter. Criteria: Invitae Variant Classification Sherloc (09022015). Collection method: clinical testing. Allele origin: germline.
Comment: In summary, the available evidence is currently insufficient to determine the role of this variant in disease. Therefore, it has been classified as a Variant of Uncertain Significance. Algorithms developed to predict the effect of missense changes on protein structure and function output the following: SIFT: "Tolerated"; PolyPhen-2: "Benign"; Align-GVGD: "Class C0". The aspartic acid amino acid residue is found in multiple mammalian species, which suggests that this missense change does not adversely affect protein function. ClinVar contains an entry for this variant (Variation ID: 1025109). This variant has not been reported in the literature in individuals affected with VCAN-related conditions. This variant is not present in population databases (gnomAD no frequency). This sequence change replaces glycine, which is neutral and non-polar, with aspartic acid, which is acidic and polar, at codon 546 of the VCAN protein (p.Gly546Asp).

NM_004385.5(VCAN):c.1637G>A (p.Gly546Asp)

Gene: VCAN (versican; plus strand). Cytogenetic location: 5q14.3.
Variant type: single nucleotide variant.
Coding change: c.1637G>A on transcript NM_004385.5 (MANE Select); coding-DNA position 1637, G replaced by A.
Protein change: p.Gly546Asp; replaces glycine 546 with aspartic acid.
Molecular consequence: missense variant. On other transcripts: intron variant (2).
Genome position (GRCh38, 1-based): chr5:83,519,943, G>A. VCF-style: chr5-83519943-G-A. GRCh37 (hg19) VCF-style: chr5-82815762-G-A.
Other names: c.1637G>A, p.Gly546Asp (NM_001164098.2); c.1042+7547G>A (NM_001164097.2, NM_001126336.3); short protein forms G546D.
Identifiers: ClinVar variation 1025109 (VCV001025109.8), dbSNP rs1746014685, ClinGen allele CA360301342.